The following is an entry in ClinVar:

NM_001099402.2(CCNK):c.1616del (p.Gly539fs)

Genes: CCDC85C (coiled-coil domain containing 85C; minus strand), CCNK (cyclin K; plus strand). Cytogenetic location: 14q32.2.
Variant type: Deletion.
Coding change: c.1616del on transcript NM_001099402.2 (MANE Select); coding-DNA position 1616, one base deleted (G; older notation c.1616delG).
Protein change: p.Gly539fs; shifts the reading frame from glycine 539.
Molecular consequence: frameshift variant. On other transcripts: 3 prime UTR variant (1).
Genome position (GRCh38, 1-based): chr14:99,510,655, G deleted; the last of 3 consecutive G bases (chr14:99,510,653-99,510,655); deleting any one gives the same sequence. VCF-style (leftmost placement, unchanged base first): chr14-99510652-TG-T. GRCh37 (hg19) VCF-style: chr14-99976989-TG-T.
Other names: c.*4593del (NM_001144995.2); short protein forms G539fs.
Identifiers: ClinVar variation 4975557 (VCV004975557.1).
Genomic context (GRCh38, chr14:99,510,652, plus strand): 5'-CACCCCCACCCCCACGCCTCCCGCCTACCCACGCAGTCCCCCCTCATCCTCCTCCAGGGT[TG>T]GGCCTGCCGCCAGCCAGCTACCCACCTCCTGCCGTCCCCCCTGGAGGACAGCCTCCTGTG-3'

ClinVar aggregate classification (germline): Uncertain significance (1 of 4 stars; one submission).

Submission:

GeneDx
Classification: Uncertain significance. Last evaluated: 2026-02-03. Review status: criteria provided, single submitter. Criteria: GeneDx Variant Classification Process June 2021. Collection method: clinical testing. Allele origin: germline.
Comment: Not observed at significant frequency in large population cohorts (gnomAD); Has not been previously published as pathogenic or benign to our knowledge; Frameshift variant predicted to result in abnormal protein length as the last 42 amino acid(s) are replaced with 40 different amino acid(s) with an unclear effect on protein function